The following is an entry in ClinVar:

ClinVar aggregate classification (germline): Pathogenic (1 of 4 stars; one submission).

Conditions:
Cardiovascular phenotype. Identifiers: MedGen CN230736.

Submission:

Ambry Genetics
Classification: Pathogenic for Cardiovascular phenotype. Last evaluated: 2025-08-11. Review status: criteria provided, single submitter. Criteria: Ambry Variant Classification Scheme 2023. Collection method: clinical testing. Allele origin: germline.
Comment: The c.1184_1185delAA pathogenic mutation, located in coding exon 13 of the MYBPC3 gene, results from a deletion of two nucleotides at nucleotide positions 1184 to 1185, causing a translational frameshift with a predicted alternate stop codon (p.K395Mfs*18). This variant is considered to be rare based on population cohorts in the Genome Aggregation Database (gnomAD). This alteration is expected to result in loss of function by premature protein truncation or nonsense-mediated mRNA decay. As such, this alteration is interpreted as a disease-causing mutation.

NM_000256.3(MYBPC3):c.1184_1185del (p.Lys395fs)

Gene: MYBPC3 (myosin binding protein C3; minus strand). Cytogenetic location: 11p11.2.
Variant type: Deletion.
Coding change: c.1184_1185del on transcript NM_000256.3 (MANE Select); coding-DNA positions 1184 to 1185, 2 bases deleted (AA; older notation c.1184_1185delAA).
Protein change: p.Lys395fs; shifts the reading frame from lysine 395.
Molecular consequence: frameshift variant.
Genome position (GRCh38, 1-based): chr11:47,343,530-47,343,531, TT deleted on the plus strand (AA on the coding strand, the reverse complement: MYBPC3 is on the minus strand); deleting any 2 consecutive bases within chr11:47,343,530-47,343,532 gives the same sequence; the c. name uses the placement nearest the transcript's 3' end. VCF-style (leftmost placement, unchanged base first): chr11-47343529-ATT-A. GRCh37 (hg19) VCF-style: chr11-47365080-ATT-A.
Other names: c.1184_1185delAA (NM_000256.3); short protein forms K395fs.
Identifiers: ClinVar variation 4114333 (VCV004114333.1).